The following is an entry in ClinVar:

NM_000421.5(KRT10):c.1370G>A (p.Gly457Glu)

Genes: KRT10 (keratin 10; minus strand), KRT10-AS1 (KRT10 antisense RNA 1; plus strand). Cytogenetic location: 17q21.2.
Variant type: single nucleotide variant.
Coding change: c.1370G>A on transcript NM_000421.5 (MANE Select); coding-DNA position 1370, G replaced by A.
Protein change: p.Gly457Glu; replaces glycine 457 with glutamic acid.
Molecular consequence: missense variant.
Genome position (GRCh38, 1-based): chr17:40,819,520, C>T on the plus strand (G>A on the coding strand, the complement: KRT10 is on the minus strand). VCF-style: chr17-40819520-C-T. GRCh37 (hg19) VCF-style: chr17-38975772-C-T.
Other names: c.1370G>A, p.Gly457Glu (NM_001379366.1); short protein forms G457E.
Identifiers: ClinVar variation 4700470 (VCV004700470.1).

ClinVar aggregate classification (germline): Uncertain significance (1 of 4 stars; one submission).

Submission:

Labcorp Genetics (formerly Invitae), Labcorp
Classification: Uncertain significance. Last evaluated: 2025-03-22. Review status: criteria provided, single submitter. Criteria: Invitae Variant Classification Sherloc (09022015). Collection method: clinical testing. Allele origin: germline.
Comment: This sequence change replaces glycine, which is neutral and non-polar, with glutamic acid, which is acidic and polar, at codon 457 of the KRT10 protein (p.Gly457Glu). This variant is present in population databases (rs775868370, gnomAD 0.02%). This variant has not been reported in the literature in individuals affected with KRT10-related conditions. Invitae Evidence Modeling of protein sequence and biophysical properties (such as structural, functional, and spatial information, amino acid conservation, physicochemical variation, residue mobility, and thermodynamic stability) indicates that this missense variant is not expected to disrupt KRT10 protein function with a negative predictive value of 80%. In summary, the available evidence is currently insufficient to determine the role of this variant in disease. Therefore, it has been classified as a Variant of Uncertain Significance.